The following is an entry in ClinVar:

NM_000051.4(ATM):c.3683A>G (p.Glu1228Gly)

Gene: ATM (ATM serine/threonine kinase; plus strand). Cytogenetic location: 11q22.3.
Variant type: single nucleotide variant.
Coding change: c.3683A>G on transcript NM_000051.4 (MANE Select); coding-DNA position 3683, A replaced by G.
Protein change: p.Glu1228Gly; replaces glutamic acid 1228 with glycine.
Molecular consequence: missense variant.
Genome position (GRCh38, 1-based): chr11:108,282,816, A>G. VCF-style: chr11-108282816-A-G. GRCh37 (hg19) VCF-style: chr11-108153543-A-G.
Other names: c.3683A>G, p.Glu1228Gly (NM_001351834.2); short protein forms E1228G.
Identifiers: ClinVar variation 3233116 (VCV003233116.1), dbSNP rs2135689844, ClinGen allele CA382523361.
Genomic context (GRCh38, chr11:108,282,816, plus strand): 5'-ACTTTATGGCATCTCATTTAGATTATCTGGTTTTGGAATGGCTAAATCTTCAAGATACTG[A>G]ATACAACTTATCTTCTTTTCCTTTTATTTTATTAAACTACACAAATATTGAGGATTTCTA-3'
Protein context (NP_000042.3, residues 1218-1238): VLEWLNLQDT[Glu1228Gly]YNLSSFPFIL

ClinVar aggregate classification (germline): Uncertain significance (1 of 4 stars; one submission).

Conditions:
Hereditary cancer-predisposing syndrome. Also called: Neoplastic Syndromes, Hereditary; Tumor predisposition; Hereditary neoplastic syndrome; Hereditary Cancer Syndrome. Identifiers: Orphanet 140162, MedGen C0027672, MeSH D009386, MONDO:0015356.

Submission:

Ambry Genetics
Classification: Uncertain significance for Hereditary cancer-predisposing syndrome. Last evaluated: 2023-12-21. Review status: criteria provided, single submitter. Criteria: Ambry Variant Classification Scheme 2023. Collection method: clinical testing. Allele origin: germline.
Comment: The p.E1228G variant (also known as c.3683A>G), located in coding exon 24 of the ATM gene, results from an A to G substitution at nucleotide position 3683. The glutamic acid at codon 1228 is replaced by glycine, an amino acid with similar properties. This amino acid position is conserved. In addition, this alteration is predicted to be tolerated by in silico analysis. Since supporting evidence is limited at this time, the clinical significance of this alteration remains unclear.